The following is an entry in ClinVar:

NM_024652.6(LRRK1):c.1722A>G (p.Ser574=)

Gene: LRRK1 (leucine rich repeat kinase 1; plus strand). Cytogenetic location: 15q26.3.
Variant type: single nucleotide variant.
Coding change: c.1722A>G on transcript NM_024652.6 (MANE Select); coding-DNA position 1722, A replaced by G.
Protein change: p.Ser574=; no amino-acid change (serine 574 retained).
Molecular consequence: synonymous variant.
Genome position (GRCh38, 1-based): chr15:101,021,165, A>G. VCF-style: chr15-101021165-A-G. GRCh37 (hg19) VCF-style: chr15-101561370-A-G.
Identifiers: ClinVar variation 2902487 (VCV002902487.5), dbSNP rs377627843, ClinGen allele CA7760993.

ClinVar aggregate classification (germline): Likely benign. Review status: criteria provided, single submitter (1 of 4 stars). 2 submissions from 2 submitters: Likely benign (1). 1 of the submissions does not count toward it. Last evaluated 2024-02-03.

Conditions:
LRRK1-related disorder. Also called: LRRK1-related condition.

Allele frequency attached by ClinVar (database versions not stated): gnomAD exomes 0.00001; ExAC 0.00004; gnomAD 0.00016; ESP Exome Variant Server 0.00017; TOPMed 0.00017.
gnomAD v4.1: 55 of 1,614,048 alleles (0.0034%); highest among the groups gnomAD compares: African/African-American, 0.053%; no homozygotes.

Submissions (2):

Labcorp Genetics (formerly Invitae), Labcorp
Classification: Likely benign. Last evaluated: 2024-02-03. Review status: criteria provided, single submitter. Criteria: Invitae Variant Classification Sherloc (09022015). Collection method: clinical testing. Allele origin: germline.

PreventionGenetics, part of Exact Sciences
Classification: Likely benign for LRRK1-related condition. Last evaluated: 2019-05-23. Review status: no assertion criteria provided. Collection method: clinical testing. Allele origin: germline. Not counted in ClinVar's aggregate classification.
Comment: This variant is classified as likely benign based on ACMG/AMP sequence variant interpretation guidelines (Richards et al. 2015 PMID: 25741868, with internal and published modifications).